The following is an entry in ClinVar:

ClinVar aggregate classification (germline): Uncertain significance (1 of 4 stars; one submission).

Allele frequency attached by ClinVar (database versions not stated): gnomAD 0.00001; TOPMed 0.00001.
gnomAD v4.1: 4 of 1,614,014 alleles (0.00025%); highest among the groups gnomAD compares: Non-Finnish European, 0.00025%; no homozygotes.

Submission:

Labcorp Genetics (formerly Invitae), Labcorp
Classification: Uncertain significance. Last evaluated: 2023-07-14. Review status: criteria provided, single submitter. Criteria: Invitae Variant Classification Sherloc (09022015). Collection method: clinical testing. Allele origin: germline.
Comment: In summary, the available evidence is currently insufficient to determine the role of this variant in disease. Therefore, it has been classified as a Variant of Uncertain Significance. Advanced modeling of protein sequence and biophysical properties (such as structural, functional, and spatial information, amino acid conservation, physicochemical variation, residue mobility, and thermodynamic stability) performed at Invitae indicates that this missense variant is not expected to disrupt PRPF6 protein function. This variant has not been reported in the literature in individuals affected with PRPF6-related conditions. This variant is not present in population databases (gnomAD no frequency). This sequence change replaces proline, which is neutral and non-polar, with alanine, which is neutral and non-polar, at codon 740 of the PRPF6 protein (p.Pro740Ala).

NM_012469.4(PRPF6):c.2218C>G (p.Pro740Ala)

Gene: PRPF6 (pre-mRNA processing factor 6; plus strand). Cytogenetic location: 20q13.33.
Variant type: single nucleotide variant.
Coding change: c.2218C>G on transcript NM_012469.4 (MANE Select); coding-DNA position 2218, C replaced by G.
Protein change: p.Pro740Ala; replaces proline 740 with alanine.
Molecular consequence: missense variant.
Genome position (GRCh38, 1-based): chr20:64,027,615, C>G. VCF-style: chr20-64027615-C-G. GRCh37 (hg19) VCF-style: chr20-62658968-C-G.
Other names: short protein forms P740A.
Identifiers: ClinVar variation 2788071 (VCV002788071.3), dbSNP rs1444639193, ClinGen allele CA409740841.